The following is an entry in ClinVar:

NM_001126105.2(SLC7A7):c.1005_1008del (p.Phe335Leufs)

Gene: SLC7A7 (solute carrier family 7 member 7; minus strand). Cytogenetic location: 14q11.2.
Variant type: Deletion.
Coding change: c.1005_1008del on transcript NM_001126105.2; coding-DNA positions 1005 to 1008, 4 bases deleted (CTTT; older notation c.1005_1008delCTTT).
Protein change: p.Phe335Leufs; shifts the reading frame from phenylalanine 335.
Molecular consequence: frameshift variant (on NM_003982.4).
Genome position (GRCh38, 1-based): chr14:22,775,531-22,775,534, AAAG deleted on the plus strand (CTTT on the coding strand, the reverse complement: SLC7A7 is on the minus strand); deleting any 4 consecutive bases within chr14:22,775,531-22,775,537 gives the same sequence; the c. name uses the placement nearest the transcript's 3' end. VCF-style (leftmost placement, unchanged base first): chr14-22775530-CAAAG-C. GRCh37 (hg19) VCF-style: chr14-23244739-CAAAG-C.
Other names: c.1005_1008delCTTT (NM_001126105.2); c.1005_1008del, p.Phe335fs (NM_001126105.3, NM_001126106.4, NM_003982.4); short protein forms F335fs.
Identifiers: ClinVar variation 56346 (VCV000056346.11), dbSNP rs386833794, ClinGen allele CA263756.

ClinVar aggregate classification (germline): Pathogenic/Likely pathogenic. Review status: criteria provided, multiple submitters, no conflicts (2 of 4 stars). 7 submissions from 7 submitters: Pathogenic (4); Likely pathogenic (1). 2 of the submissions do not count toward it. Last evaluated 2026-02-05.

Conditions:
Lysinuric protein intolerance (LPI). Identifiers: Orphanet 470, MedGen C0268647, MONDO:0009109, OMIM 222700.

Submissions (7):

Dasa
Classification: Pathogenic. Last evaluated: 2026-02-05. Review status: criteria provided, single submitter. Criteria: DASA Assertion Criteria. Collection method: clinical testing. Allele origin: germline.
Comment: NM_003982.4(SLC7A7):c.1005_1008del (p.Phe335LeufsTer15) is a frameshift variant in SLC7A7 predicted to alter the reading frame and introduce a premature termination codon and is predicted to result in an absent or altered protein product. Loss of function is an established disease mechanism for SLC7A7-associated disorders. This variant has been recurrently observed in individuals with SLC7A7-related disorders (PMID: 10080182; PMID: 10655553; PMID: 12402335). Also, this variant is rare in population databases. Based on the currently available evidence, this variant is classified as pathogenic.

Labcorp Genetics (formerly Invitae), Labcorp
Classification: Pathogenic for Lysinuric protein intolerance. Last evaluated: 2023-11-19. Review status: criteria provided, single submitter. Criteria: Invitae Variant Classification Sherloc (09022015). Collection method: clinical testing. Allele origin: germline.
Comment: This sequence change creates a premature translational stop signal (p.Phe335Leufs*15) in the SLC7A7 gene. It is expected to result in an absent or disrupted protein product. Loss-of-function variants in SLC7A7 are known to be pathogenic (PMID: 10631139, 17764084). This variant is not present in population databases (gnomAD no frequency). This premature translational stop signal has been observed in individual(s) with lysinuric protein intolerance (PMID: 10080182, 12402335). In at least one individual the data is consistent with being in trans (on the opposite chromosome) from a pathogenic variant. This variant is also known as 1291delCTTT. ClinVar contains an entry for this variant (Variation ID: 56346). For these reasons, this variant has been classified as Pathogenic.

Neuberg Centre For Genomic Medicine, NCGM
Classification: Pathogenic for Lysinuric protein intolerance. Last evaluated: 2023-05-20. Review status: criteria provided, single submitter. Criteria: ACMG Guidelines, 2015. Collection method: clinical testing. Allele origin: germline. Inheritance: Autosomal recessive inheritance. Affected: yes.
Comment: The observed frameshift variant c.1005_1008del(p.Phe335LeufsTer15) in SLC7A7 gene has been reported previously in homozygous and compound heterozygous state in individuals with lysinuric protein intolerance (Sperandeo MP, et al., 2008, Shoji Y, et al., 2002). In at least one individual the data is consistent with the variant being in trans (on the opposite chromosome) with a pathogenic variant (Torrents D, et al., 1999). The c.1005_1008del variant is absent in gnomAD Exomes. This variant has been submitted to the ClinVar database as Pathogenic/Likely Pathogenic.This variant causes a frameshift starting with codon Phenylalanine 335, changes this amino acid to Leucine residue, and creates a premature Stop codon at position 15 of the new reading frame, denoted p.Phe335LeufsTer15. The variant is predicted to be likely damaging by SpliceAI Prediction. For these reasons, this variant has been classified as Pathogenic. In the absence of another reportable variant, the molecular diagnosis is not confirmed.

Baylor Genetics
Classification: Pathogenic for Lysinuric protein intolerance. Last evaluated: 2023-03-14. Review status: criteria provided, single submitter. Criteria: ACMG Guidelines, 2015. Collection method: clinical testing. Allele origin: unknown.

Fulgent Genetics
Classification: Likely pathogenic for Lysinuric protein intolerance. Last evaluated: 2021-11-05. Review status: criteria provided, single submitter. Criteria: ACMG Guidelines, 2015. Collection method: clinical testing. Allele origin: unknown.

OMIM
Classification: Pathogenic for LYSINURIC PROTEIN INTOLERANCE. Last evaluated: 2008-01-01. Review status: no assertion criteria provided. Collection method: literature only. Allele origin: germline. Not counted in ClinVar's aggregate classification.

Juha Muilu Group; Institute for Molecular Medicine Finland (FIMM)
Classification: Likely pathogenic for Lysinuric protein intolerance. Review status: no assertion criteria provided. Collection method: not provided. Allele origin: unknown. Not counted in ClinVar's aggregate classification.
Comment: FinDis database variant: This variant was not found or characterized by our laboratory, data were collected from public sources: see reference
ClinVar note: Converted during submission from probable-pathogenic to Likely pathogenic.

Literature cited by the submitters: PubMed 12402335 (cited by Dasa and Labcorp Genetics (formerly Invitae), Labcorp); PubMed 10080182 (cited by 3 submitters); PubMed 10655553 (cited by Dasa); PubMed 10631139 (cited by Labcorp Genetics (formerly Invitae), Labcorp); PubMed 17764084 (cited by Labcorp Genetics (formerly Invitae), Labcorp and OMIM).